The following is an entry in ClinVar:

ClinVar aggregate classification (germline): Uncertain significance (1 of 4 stars; one submission).

Submission:

ISCA site 4
Classification: Uncertain significance. Last evaluated: 2011-08-12. Review status: criteria provided, single submitter. Criteria: Kaminsky et al. (Genet Med. 2011). Collection method: clinical testing. Allele origin: paternal. Affected: yes. Observed: 1 variant allele.
Comment: Copy number variation identified through the course of routine clinical cytogenomic testing in postnatal populations. Clinical assertions have been curated as described in Kaminsky et al. 2011.

GRCh38/hg38 15q26.3(chr15:99848343-100704243)x1

Genes: ADAMTS17 (ADAM metallopeptidase with thrombospondin type 1 motif 17; minus strand), ASB7 (ankyrin repeat and SOCS box containing 7; plus strand), CERS3 (ceramide synthase 3; minus strand), CERS3-AS1 (CERS3 antisense RNA 1; plus strand), LINS1 (lines homolog 1; minus strand) and 25 more. Cytogenetic location: 15q26.3.
Variant type: copy number loss.
Change: copy number 1 (one copy instead of two) of chr15:99,848,343-100,704,243 (855.9 kb, GRCh38 coordinates, 1-based), cytogenetic band 15q26.3.
Identifiers: ClinVar variation 58224 (VCV000058224.1).